The following is an entry in ClinVar:

NM_181523.3(PIK3R1):c.716C>A (p.Thr239Lys)

Gene: PIK3R1 (phosphoinositide-3-kinase regulatory subunit 1; plus strand). Cytogenetic location: 5q13.1.
Variant type: single nucleotide variant.
Coding change: c.716C>A on transcript NM_181523.3 (MANE Select); coding-DNA position 716, C replaced by A.
Protein change: p.Thr239Lys; replaces threonine 239 with lysine.
Molecular consequence: missense variant.
Genome position (GRCh38, 1-based): chr5:68,280,609, C>A. VCF-style: chr5-68280609-C-A. GRCh37 (hg19) VCF-style: chr5-67576437-C-A.
Other names: short protein forms T239K.
Identifiers: ClinVar variation 1450801 (VCV001450801.8), dbSNP rs141981005, ClinGen allele CA359875288.

ClinVar aggregate classification (germline): Uncertain significance (1 of 4 stars; one submission).

Conditions:
Immunodeficiency 36 with lymphoproliferation. Also called: ACTIVATED PI3K-DELTA SYNDROME 2; Immunodeficiency 36; Activated PI3K Delta Syndrome Type 2 (APDS2). Identifiers: Orphanet 397596, Orphanet 693681, MedGen C4014934, MONDO:0014453, OMIM 616005.
SHORT syndrome. Also called: LIPODYSTROPHY, PARTIAL, WITH RIEGER ANOMALY AND SHORT STATURE; PIK3R1-Related SHORT Syndrome; SHORT STATURE, HYPEREXTENSIBILITY, HERNIA, OCULAR DEPRESSION, RIEGER ANOMALY, AND TEETHING DELAY. Identifiers: Orphanet 3163, MedGen C0878684, MONDO:0010026, OMIM 269880.
Agammaglobulinemia 7, autosomal recessive (AGM7). Also called: AGAMMAGLOBULINEMIA, AUTOSOMAL RECESSIVE, DUE TO PIK3R1 DEFECT. Identifiers: MedGen C3554689, MONDO:0014083, OMIM 615214.

gnomAD v4.1: 15 of 1,613,058 alleles (0.00093%); highest among the groups gnomAD compares: Non-Finnish European, 0.0013%; no homozygotes.

Submission:

Labcorp Genetics (formerly Invitae), Labcorp
Classification: Uncertain significance for SHORT syndrome; Immunodeficiency 36 with lymphoproliferation; Agammaglobulinemia 7, autosomal recessive. Last evaluated: 2025-12-03. Review status: criteria provided, single submitter. Criteria: Invitae Variant Classification Sherloc (09022015). Collection method: clinical testing. Allele origin: germline.
Comment: This sequence change replaces threonine, which is neutral and polar, with lysine, which is basic and polar, at codon 239 of the PIK3R1 protein (p.Thr239Lys). This variant is present in population databases (no rsID available, gnomAD 0.0009%). This variant has not been reported in the literature in individuals affected with PIK3R1-related conditions. ClinVar contains an entry for this variant (Variation ID: 1450801). An algorithm developed to predict the effect of missense changes on protein structure and function (PolyPhen-2) suggests that this variant is likely to be disruptive. In summary, the available evidence is currently insufficient to determine the role of this variant in disease. Therefore, it has been classified as a Variant of Uncertain Significance.